The following is an entry in ClinVar:

NM_014806.5(RUSC2):c.3650C>T (p.Pro1217Leu)

Gene: RUSC2 (RUN and SH3 domain containing 2; plus strand). Cytogenetic location: 9p13.3.
Variant type: single nucleotide variant.
Coding change: c.3650C>T on transcript NM_014806.5 (MANE Select); coding-DNA position 3650, C replaced by T.
Protein change: p.Pro1217Leu; replaces proline 1217 with leucine.
Molecular consequence: missense variant. On other transcripts: non-coding transcript variant (1).
Genome position (GRCh38, 1-based): chr9:35,560,290, C>T. VCF-style: chr9-35560290-C-T. GRCh37 (hg19) VCF-style: chr9-35560287-C-T.
Other names: c.3650C>T, p.Pro1217Leu (NM_001135999.2); c.1016C>T, p.Pro339Leu (NM_001330740.2); short protein forms P339L, P1217L.
Identifiers: ClinVar variation 4580332 (VCV004580332.2).

ClinVar aggregate classification (germline): Uncertain significance. Review status: criteria provided, multiple submitters, no conflicts (2 of 4 stars). 2 submissions from 2 submitters: Uncertain significance (2). Last evaluated 2025-11-26.

gnomAD v4.1: 12 of 1,595,058 alleles (0.00075%); highest among the groups gnomAD compares: Non-Finnish European, 0.00094%; no homozygotes.

Submissions (2):

Ambry Genetics
Classification: Uncertain significance. Last evaluated: 2025-11-26. Review status: criteria provided, single submitter. Criteria: Ambry Variant Classification Scheme 2023. Collection method: clinical testing. Allele origin: germline.

Labcorp Genetics (formerly Invitae), Labcorp
Classification: Uncertain significance. Last evaluated: 2025-08-15. Review status: criteria provided, single submitter. Criteria: Invitae Variant Classification Sherloc (09022015). Collection method: clinical testing. Allele origin: germline.
Comment: This sequence change replaces proline, which is neutral and non-polar, with leucine, which is neutral and non-polar, at codon 1217 of the RUSC2 protein (p.Pro1217Leu). This variant is present in population databases (no rsID available, gnomAD 0.003%). This variant has not been reported in the literature in individuals affected with RUSC2-related conditions. An algorithm developed to predict the effect of missense changes on protein structure and function (PolyPhen-2) suggests that this variant is likely to be disruptive. In summary, the available evidence is currently insufficient to determine the role of this variant in disease. Therefore, it has been classified as a Variant of Uncertain Significance.